The following is an entry in ClinVar:

NM_014314.4(RIGI):c.1907C>G (p.Thr636Ser)

Gene: RIGI (RNA sensor RIG-I; minus strand). Cytogenetic location: 9p21.1.
Variant type: single nucleotide variant.
Coding change: c.1907C>G on transcript NM_014314.4 (MANE Select); coding-DNA position 1907, C replaced by G.
Protein change: p.Thr636Ser; replaces threonine 636 with serine.
Molecular consequence: missense variant.
Genome position (GRCh38, 1-based): chr9:32,476,999, G>C on the plus strand (C>G on the coding strand, the complement: RIGI is on the minus strand). VCF-style: chr9-32476999-G-C. GRCh37 (hg19) VCF-style: chr9-32476997-G-C.
Other names: c.1901C>G, p.Thr634Ser (NM_001385907.1); c.1907C>G, p.Thr636Ser (NM_001385909.1); c.1466C>G, p.Thr489Ser (NM_001385910.1); c.1298C>G, p.Thr433Ser (NM_001385912.1); c.1892C>G, p.Thr631Ser (NM_001385913.1); c.1463C>G, p.Thr488Ser (NM_001385914.1); short protein forms T489S, T634S, T631S, T433S, T488S, T636S.
Identifiers: ClinVar variation 1463863 (VCV001463863.8), dbSNP rs747607387, ClinGen allele CA5019648.
Genomic context (GRCh38, chr9:32,476,999, plus strand): 5'-AGTGCTGGGTCCATTTGTTATCTACAAGGAGAAAAAAAGCTTACGTCCACAAGTGCTCTG[G>C]TTTTCACAAAGAGAATTGTTATTGTCTCTGGGTTTAAGTGGTACTCTTCTTGTAAGATGA-3'
Protein context (NP_055129.2, residues 626-646): PETITILFVK[Thr636Ser]RALVDALKNW

ClinVar aggregate classification (germline): Uncertain significance (1 of 4 stars; one submission).

Allele frequency attached by ClinVar (database versions not stated): TOPMed below 0.00001; gnomAD 0.00001; ExAC 0.00002; gnomAD exomes 0.00002 and 0.00003.
gnomAD v4.1: 35 of 1,613,722 alleles (0.0022%); highest among the groups gnomAD compares: Middle Eastern, 0.21%; no homozygotes.

Submission:

Labcorp Genetics (formerly Invitae), Labcorp
Classification: Uncertain significance. Last evaluated: 2025-11-10. Review status: criteria provided, single submitter. Criteria: Invitae Variant Classification Sherloc (09022015). Collection method: clinical testing. Allele origin: germline.
Comment: This sequence change replaces threonine, which is neutral and polar, with serine, which is neutral and polar, at codon 636 of the DDX58 protein (p.Thr636Ser). The frequency data for this variant in the population databases is considered unreliable, as metrics indicate poor data quality at this position in the gnomAD database. This variant has not been reported in the literature in individuals affected with DDX58-related conditions. ClinVar contains an entry for this variant (Variation ID: 1463863). Invitae Evidence Modeling of protein sequence and biophysical properties (such as structural, functional, and spatial information, amino acid conservation, physicochemical variation, residue mobility, and thermodynamic stability) indicates that this missense variant is expected to disrupt DDX58 protein function with a positive predictive value of 80%. In summary, the available evidence is currently insufficient to determine the role of this variant in disease. Therefore, it has been classified as a Variant of Uncertain Significance.